The following is an entry in ClinVar:

NM_000041.4(APOE):c.323G>A (p.Arg108Gln)

Gene: APOE (apolipoprotein E; plus strand). Cytogenetic location: 19q13.32.
Variant type: single nucleotide variant.
Coding change: c.323G>A on transcript NM_000041.4 (MANE Select); coding-DNA position 323, G replaced by A.
Protein change: p.Arg108Gln; replaces arginine 108 with glutamine.
Molecular consequence: missense variant.
Genome position (GRCh38, 1-based): chr19:44,908,619, G>A. VCF-style: chr19-44908619-G-A. GRCh37 (hg19) VCF-style: chr19-45411876-G-A.
Other names: c.401G>A, p.Arg134Gln (NM_001302688.2); c.323G>A, p.Arg108Gln (NM_001302689.2, NM_001302690.2, NM_001302691.2); c.323G>A (NM_000041.3); short protein forms R134Q, R108Q.
Identifiers: ClinVar variation 3308503 (VCV003308503.2).

ClinVar aggregate classification (germline): Likely benign. Review status: criteria provided, single submitter (1 of 4 stars). 2 submissions from 2 submitters: Likely benign (1). 1 of the submissions does not count toward it. Last evaluated 2024-05-21.

Conditions:
Cardiovascular phenotype. Identifiers: MedGen CN230736.
APOE-related disorder. Also called: APOE-related condition.

gnomAD v4.1: 17 of 1,608,670 alleles (0.0011%); highest among the groups gnomAD compares: Non-Finnish European, 0.0014%; no homozygotes.

Submissions (2):

Ambry Genetics
Classification: Likely benign for Cardiovascular phenotype. Last evaluated: 2024-05-21. Review status: criteria provided, single submitter. Criteria: Ambry Variant Classification Scheme 2023. Collection method: clinical testing. Allele origin: germline.

PreventionGenetics, part of Exact Sciences
Classification: Uncertain significance for APOE-related condition. Last evaluated: 2024-04-17. Review status: no assertion criteria provided. Collection method: clinical testing. Allele origin: germline. Not counted in ClinVar's aggregate classification.
Comment: The APOE c.323G>A variant is predicted to result in the amino acid substitution p.Arg108Gln. To our knowledge, this variant has not been reported in individuals with APOE-associated disorders in the literature. This variant is reported in 0.0057% of alleles in individuals of East Asian descent in gnomAD. At this time, the clinical significance of this variant is uncertain due to the absence of conclusive functional and genetic evidence.